The following is an entry in ClinVar:

NM_013261.5(PPARGC1A):c.1835C>T (p.Thr612Met)

Gene: PPARGC1A (PPARG coactivator 1 alpha; minus strand). Cytogenetic location: 4p15.2.
Variant type: single nucleotide variant.
Coding change: c.1835C>T on transcript NM_013261.5 (MANE Select); coding-DNA position 1835, C replaced by T.
Protein change: p.Thr612Met; replaces threonine 612 with methionine.
Molecular consequence: missense variant. On other transcripts: non-coding transcript variant (7).
Genome position (GRCh38, 1-based): chr4:23,813,084, G>A on the plus strand (C>T on the coding strand, the complement: PPARGC1A is on the minus strand). VCF-style: chr4-23813084-G-A. GRCh37 (hg19) VCF-style: chr4-23814707-G-A.
Other names: c.1850C>T, p.Thr617Met (NM_001330751.2, NM_001354825.2, NM_001354827.2); c.1799C>T, p.Thr600Met (NM_001330752.2); c.1454C>T, p.Thr485Met (NM_001330753.2, NM_001354826.2); short protein forms T485M, T600M, T612M, T617M.
Identifiers: ClinVar variation 3056132 (VCV003056132.2), dbSNP rs3736265, ClinGen allele CA2875162.

ClinVar aggregate classification (germline): Benign (0 of 4 stars; one submission).

Conditions:
PPARGC1A-related disorder. Also called: PPARGC1A-related condition.

Allele frequency attached by ClinVar (database versions not stated): ESP Exome Variant Server 0.05705; TOPMed 0.06893; gnomAD 0.07217; 1000 Genomes Project 30x 0.10712; 1000 Genomes Project 0.10942.
gnomAD v4.1: 105,916 of 1,613,862 alleles (6.6%); highest among the groups gnomAD compares: East Asian, 19%; 4,479 homozygotes.

Submission:

PreventionGenetics, part of Exact Sciences
Classification: Benign for PPARGC1A-related condition. Last evaluated: 2019-02-22. Review status: no assertion criteria provided. Collection method: clinical testing. Allele origin: germline.
Comment: This variant is classified as benign based on ACMG/AMP sequence variant interpretation guidelines (Richards et al. 2015 PMID: 25741868, with internal and published modifications).